The following is an entry in ClinVar:

NM_007118.4(TRIO):c.6913G>A (p.Gly2305Ser)

Gene: TRIO (trio Rho guanine nucleotide exchange factor; plus strand). Cytogenetic location: 5p15.2.
Variant type: single nucleotide variant.
Coding change: c.6913G>A on transcript NM_007118.4 (MANE Select); coding-DNA position 6913, G replaced by A.
Protein change: p.Gly2305Ser; replaces glycine 2305 with serine.
Molecular consequence: missense variant. On other transcripts: non-coding transcript variant (1).
Genome position (GRCh38, 1-based): chr5:14,487,541, G>A. VCF-style: chr5-14487541-G-A. GRCh37 (hg19) VCF-style: chr5-14487650-G-A.
Other names: c.6913G>A (NM_007118.2); short protein forms G2305S.
Identifiers: ClinVar variation 1805205 (VCV001805205.2), dbSNP rs1262429321, ClinGen allele CA359236420.
Genomic context (GRCh38, chr5:14,487,541, plus strand): 5'-GAGTACCAGAGGAACCACAGCGGGGGCGGCGGCGGCGGCGGCAGCGGGGGCAGCGGCGGG[G>A]GTGGGGGCAGCGGCGGCGGCGGGGCCCCCAGTGGCGGCAGCGGCCACAGTGGCGGCCCCA-3'
Protein context (NP_009049.2, residues 2295-2315): GGGGSGGSGG[Gly2305Ser]GGSGGGGAPS

ClinVar aggregate classification (germline): Conflicting classifications of pathogenicity. Review status: criteria provided, conflicting classifications (1 of 4 stars). 2 submissions from 2 submitters: Uncertain significance (1); Likely benign (1). Last evaluated 2024-12-23.

Conditions:
Intellectual developmental disorder, autosomal dominant 63, with macrocephaly. Also called: MENTAL RETARDATION, AUTOSOMAL DOMINANT 63, WITH MACROCEPHALY. Identifiers: MedGen C5394205, MONDO:0032939, OMIM 618825.
Inborn genetic diseases. Identifiers: MedGen C0950123, MeSH D030342.

Allele frequency attached by ClinVar (database versions not stated): gnomAD 0.00001; TOPMed 0.00001; gnomAD exomes 0.00005.
gnomAD v4.1: 45 of 1,063,516 alleles (0.0042%); highest among the groups gnomAD compares: Non-Finnish European, 0.0052%; no homozygotes.

Submissions (2):

Ambry Genetics
Classification: Uncertain significance for Inborn genetic diseases. Last evaluated: 2024-12-23. Review status: criteria provided, single submitter. Criteria: Ambry Variant Classification Scheme 2023. Collection method: clinical testing. Allele origin: germline.

Victorian Clinical Genetics Services, Murdoch Childrens Research Institute
Classification: Likely benign for Intellectual developmental disorder, autosomal dominant 63, with macrocephaly. Last evaluated: 2022-02-02. Review status: criteria provided, single submitter. Criteria: ACMG Guidelines, 2015. Collection method: clinical testing. Allele origin: germline. Inheritance: Autosomal dominant inheritance.
Comment: Based on the classification scheme VCGS_Germline_v1.3.4, this variant is classified as Likely benign. Following criteria are met: 0103 - Loss of function and gain of function are known mechanisms of disease in this gene. Null variants and missense within the RhoGEF domain are associated with intellectual developmental disorder with microcephaly (MIM#617061), while gain-of-function missense within the 7th spectrin repeat are associated with intellectual developmental disorder with macrocephaly (PMID: 32109419). (I) 0107 - This gene is associated with autosomal dominant disease. (I) 0200 - Variant is predicted to result in a missense amino acid change from glycine to serine. (I) 0251 - This variant is heterozygous. (I) 0302 - Variant is present in gnomAD <0.001 for a dominant condition (v3: 2 heterozygotes, 0 homozygotes). (SP) 0309 - An alternative amino acid change at the same position has been observed in gnomAD v3 (p.(Gly2305Asp); 220 heterozygotes, 0 homozygotes). (I) 0504 - Same amino acid change has been observed in placental mammals. (SB) 0604 - Variant is not located in an established domain, motif, hotspot or informative constraint region. (I) 0709 - Another missense variant comparable to the one identified in this case has limited previous evidence for being benign. p.(Gly2305Asp) has been classified as likely benign or benign by diagnostic laboratories in ClinVar. (SB) 0807 - This variant has no previous evidence of pathogenicity. (I) 0905 - No published segregation evidence has been identified for this variant. (I) 1007 - No published functional evidence has been identified for this variant. (I) 1208 - Inheritance information for this variant is not currently available in this individual. (I) Legend: (SP) - Supporting pathogenic, (I) - Information, (SB) - Supporting benign

Literature cited by the submitters: PubMed 32109419 (cited by Victorian Clinical Genetics Services, Murdoch Childrens Research Institute).